The following is an entry in ClinVar:

NM_001077350.3(NPRL3):c.1161+1G>A

Genes: HBA-LCR (alpha-globin locus control region; plus strand), NPRL3 (NPR3 like, GATOR1 complex subunit; minus strand). Cytogenetic location: 16p13.3.
Variant type: single nucleotide variant.
Coding change: c.1161+1G>A on transcript NM_001077350.3 (MANE Select); the canonical splice donor site of the intron after coding-DNA position 1161, G replaced by A.
Molecular consequence: splice donor variant.
Genome position (GRCh38, 1-based): chr16:92,595, C>T on the plus strand (G>A on the coding strand, the complement: NPRL3 is on the minus strand). VCF-style: chr16-92595-C-T. GRCh37 (hg19) VCF-style: chr16-142593-C-T.
Other names: c.927+1G>A (NM_001243247.2); c.1086+1G>A (NM_001243248.2, NM_001243249.2); c.624+1G>A (NM_001039476.3).
Identifiers: ClinVar variation 2120455 (VCV002120455.8), dbSNP rs1898806744, ClinGen allele CA394052816.

ClinVar aggregate classification (germline): Likely pathogenic. Review status: criteria provided, multiple submitters, no conflicts (2 of 4 stars). 2 submissions from 2 submitters: Likely pathogenic (2). Last evaluated 2026-02-01.

Conditions:
Epilepsy, familial focal, with variable foci 3 (FFEVF3). Identifiers: MedGen C4310708, MONDO:0014925, OMIM 617118.

Allele frequency attached by ClinVar (database versions not stated): gnomAD exomes below 0.00001.
gnomAD v4.1: 1 of 1,612,972 alleles (0.000062%); highest among the groups gnomAD compares: Non-Finnish European, 0.000085%; no homozygotes.

Submissions (2):

CeGaT Center for Human Genetics Tuebingen
Classification: Likely pathogenic. Last evaluated: 2026-02-01. Review status: criteria provided, single submitter. Criteria: CeGaT Center For Human Genetics Tuebingen Variant Classification Criteria Version 2. Collection method: clinical testing. Allele origin: germline. Affected: yes. Observed: 1 variant allele.
Comment: NPRL3: PVS1, PM2:Supporting

Labcorp Genetics (formerly Invitae), Labcorp
Classification: Likely pathogenic for Epilepsy, familial focal, with variable foci 3. Last evaluated: 2022-04-01. Review status: criteria provided, single submitter. Criteria: Invitae Variant Classification Sherloc (09022015). Collection method: clinical testing. Allele origin: germline.
Comment: In summary, the currently available evidence indicates that the variant is pathogenic, but additional data are needed to prove that conclusively. Therefore, this variant has been classified as Likely Pathogenic. Algorithms developed to predict the effect of sequence changes on RNA splicing suggest that this variant may disrupt the consensus splice site. Disruption of this splice site has been observed in individual(s) with clinical features of NPRL3-related conditions (Invitae). This variant is not present in population databases (gnomAD no frequency). This sequence change affects a donor splice site in intron 11 of the NPRL3 gene. It is expected to disrupt RNA splicing. Variants that disrupt the donor or acceptor splice site typically lead to a loss of protein function (PMID: 16199547), and loss-of-function variants in NPRL3 are known to be pathogenic (PMID: 26285051, 26505888).

Literature cited by the submitters: PubMed 16199547 (cited by Labcorp Genetics (formerly Invitae), Labcorp); PubMed 26285051 (cited by Labcorp Genetics (formerly Invitae), Labcorp); PubMed 26505888 (cited by Labcorp Genetics (formerly Invitae), Labcorp).